The following is an entry in ClinVar:

NM_005688.4(ABCC5):c.1502C>A (p.Ser501Tyr)

Gene: ABCC5 (ATP binding cassette subfamily C member 5; minus strand). Cytogenetic location: 3q27.1.
Variant type: single nucleotide variant.
Coding change: c.1502C>A on transcript NM_005688.4 (MANE Select); coding-DNA position 1502, C replaced by A.
Protein change: p.Ser501Tyr; replaces serine 501 with tyrosine.
Molecular consequence: missense variant.
Genome position (GRCh38, 1-based): chr3:183,971,822, G>T on the plus strand (C>A on the coding strand, the complement: ABCC5 is on the minus strand). VCF-style: chr3-183971822-G-T. GRCh37 (hg19) VCF-style: chr3-183689610-G-T.
Other names: c.86C>A, p.Ser29Tyr (NM_001320032.2); short protein forms S29Y, S501Y.
Identifiers: ClinVar variation 2654302 (VCV002654302.24), dbSNP rs28365011, ClinGen allele CA2724501.

ClinVar aggregate classification (germline): Likely benign (1 of 4 stars; one submission).

Allele frequency attached by ClinVar (database versions not stated): 1000 Genomes Project 0.00060; 1000 Genomes Project 30x 0.00062; gnomAD 0.00223; ESP Exome Variant Server 0.00352.
gnomAD v4.1: 5,690 of 1,614,086 alleles (0.35%); highest among the groups gnomAD compares: Non-Finnish European, 0.43%; 6 homozygotes.

Submission:

CeGaT Center for Human Genetics Tuebingen
Classification: Likely benign. Last evaluated: 2023-05-01. Review status: criteria provided, single submitter. Criteria: CeGaT Center For Human Genetics Tuebingen Variant Classification Criteria Version 2. Collection method: clinical testing. Allele origin: germline. Affected: yes. Observed: 1 variant allele.
Comment: ABCC5: PP2, BS2